The following is an entry in ClinVar:

NM_000545.8(HNF1A):c.866C>G (p.Pro289Arg)

Gene: HNF1A (HNF1 homeobox A; plus strand). Cytogenetic location: 12q24.31.
Variant type: single nucleotide variant.
Coding change: c.866C>G on transcript NM_000545.8 (MANE Select); coding-DNA position 866, C replaced by G.
Protein change: p.Pro289Arg; replaces proline 289 with arginine.
Molecular consequence: missense variant.
Genome position (GRCh38, 1-based): chr12:120,994,316, C>G. VCF-style: chr12-120994316-C-G. GRCh37 (hg19) VCF-style: chr12-121432119-C-G.
Other names: NM_000545.8(HNF1A):c.866C>G; p.Pro289Arg; c.866C>G, p.Pro289Arg (NM_001306179.2); short protein forms P289R.
Identifiers: ClinVar variation 972753 (VCV000972753.9), dbSNP rs267603343, ClinGen allele CA244533104.
Genomic context (GRCh38, chr12:120,994,316, plus strand): 5'-CCAACCGGCGCAAAGAAGAAGCCTTCCGGCACAAGCTGGCCATGGACACGTACAGCGGGC[C>G]CCCCCCAGGGCCAGGCCCGGGACCTGCGCTGCCCGCTCACAGCTCCCCTGGCCTGCCTCC-3'
Protein context (NP_000536.6, residues 279-299): HKLAMDTYSG[Pro289Arg]PPGPGPGPAL

ClinVar aggregate classification (germline): Uncertain significance. Review status: reviewed by expert panel (3 of 4 stars). 3 submissions from 3 submitters: Uncertain significance (1). 2 of the submissions do not count toward it. Last evaluated 2025-10-03.

Conditions:
Maturity-onset diabetes of the young type 3. Also called: MODY type 3; MODY, type III. Identifiers: Orphanet 552, MedGen C1838100, MeSH C563933, MONDO:0010894, OMIM 600496. Disease mechanism: loss of function.
Monogenic diabetes. Identifiers: Orphanet 183625, MedGen C3888631, MONDO:0015967.

gnomAD v4.1: 4 of 1,610,342 alleles (0.00025%); highest among the groups gnomAD compares: Admixed American, 0.0017%; no homozygotes.

Submissions (3):

ClinGen Monogenic Diabetes Variant Curation Expert Panel
Classification: Uncertain significance for Monogenic diabetes. Last evaluated: 2025-10-03. Review status: reviewed by expert panel. Criteria: ClinGen Diabetes ACMG Specifications HNF1A V3.0.0. Collection method: curation. Allele origin: germline. Inheritance: Autosomal dominant inheritance.
Comment: The c.866C>G variant in the HNF1 homeobox A gene, HNF1A, causes an amino acid change of proline to arginine at codon 289 (p.(Pro289Arg)) of NM_000545.8. This variant has a gnomAD v4.1.0 Grpmax filtering allele frequency of 6.80e-7, which is below the ClinGen MDEP threshold of 0.000003 (PM2_Supporting). This variant has a REVEL score of 0.679, which is between the ClinGen MDEP thresholds for BP4 and PP3, predicting neither a damaging nor benign impact on HNF1A function. This variant was identified in three unrelated individuals with non-autoimmune and non-absolute/near-absolute insulin-deficient diabetes; however, PS4_Moderate cannot be applied because this number is below the ClinGen MDEP threshold (internal lab contributors). One these individuals did have a clinical history highly specific for HNF1A-MODY (MODY probability calculator result >50%, negative genetic testing for HNF4A, and sulfonylurea-sensitive) (PP4_Moderate; internal lab contributors). Other missense variants this amino acid position, c.866C>A (p.Pro289His) and c.865C>T (p.Pro289Ser), have been classified as VUS by the ClinGen MDEP; therefore, PM5 will not be applied. In summary, c.866C>G meets the criteria to be classified as a variant of uncertain significance for monogenic diabetes. ACMG/AMP criteria applied, as specified by the ClinGen MDEP (specification version 3.0.0, approved 6/30/2025): PM2_Supporting, PP4_Moderate.

GeneDx
Classification: Uncertain significance. Last evaluated: 2022-06-13. Review status: criteria provided, single submitter. Criteria: GeneDx Variant Classification Process June 2021. Collection method: clinical testing. Allele origin: germline. Affected: yes. Not counted in ClinVar's aggregate classification.
Comment: Identified in a family with MODY in published literature (Ellard et al., 2000); In silico analysis, which includes protein predictors and evolutionary conservation, supports that this variant does not alter protein structure/function; Not observed at significant frequency in large population cohorts (gnomAD); This variant is associated with the following publications: (PMID: 11058894)

Broad Center for Mendelian Genomics, Broad Institute of MIT and Harvard
Classification: Uncertain significance for Maturity-onset diabetes of the young type 3. Last evaluated: 2020-01-22. Review status: criteria provided, single submitter. Criteria: ACMG Guidelines, 2015. Collection method: curation. Allele origin: germline. Inheritance: Autosomal dominant inheritance. Not counted in ClinVar's aggregate classification.
Comment: The p.Pro289Arg variant in HNF1A has been reported in at least 1 individual with maturity-onset diabetes of the young (PMID: 11058894), and has been identified in 0.003% (1/33344) of Latino chromosomes by the Genome Aggregation Database (gnomAD; dbSNP rs267603343). Computational prediction tools and conservation analyses do not provide strong support for or against an impact to the protein. In summary, while there is some suspicion for a pathogenic role, the clinical significance of this variant is uncertain. ACMG/AMP Criteria applied: PM2 (Richards 2015).